The following is an entry in ClinVar:

NM_014795.4(ZEB2):c.326G>C (p.Gly109Ala)

Gene: ZEB2 (zinc finger E-box binding homeobox 2; minus strand). Cytogenetic location: 2q22.3.
Variant type: single nucleotide variant.
Coding change: c.326G>C on transcript NM_014795.4 (MANE Select); coding-DNA position 326, G replaced by C.
Protein change: p.Gly109Ala; replaces glycine 109 with alanine.
Molecular consequence: missense variant.
Genome position (GRCh38, 1-based): chr2:144,429,774, C>G on the plus strand (G>C on the coding strand, the complement: ZEB2 is on the minus strand). VCF-style: chr2-144429774-C-G. GRCh37 (hg19) VCF-style: chr2-145187341-C-G.
Other names: c.326G>C, p.Gly109Ala (NM_001171653.2); short protein forms G109A.
Identifiers: ClinVar variation 2714203 (VCV002714203.3), dbSNP rs2549120595, ClinGen allele CA348718531.

ClinVar aggregate classification (germline): Uncertain significance (1 of 4 stars; one submission).

Conditions:
Mowat-Wilson syndrome (MOWS). Also called: Classic Mowat-Wilson Syndrome. Identifiers: Orphanet 2152, MedGen C1856113, MONDO:0009341, OMIM 235730.

Submission:

Labcorp Genetics (formerly Invitae), Labcorp
Classification: Uncertain significance for Mowat-Wilson syndrome. Last evaluated: 2023-06-14. Review status: criteria provided, single submitter. Criteria: Invitae Variant Classification Sherloc (09022015). Collection method: clinical testing. Allele origin: germline.
Comment: This sequence change replaces glycine, which is neutral and non-polar, with alanine, which is neutral and non-polar, at codon 109 of the ZEB2 protein (p.Gly109Ala). This variant is not present in population databases (gnomAD no frequency). In summary, the available evidence is currently insufficient to determine the role of this variant in disease. Therefore, it has been classified as a Variant of Uncertain Significance. An algorithm developed to predict the effect of missense changes on protein structure and function (PolyPhen-2) suggests that this variant is likely to be tolerated. This variant has not been reported in the literature in individuals affected with ZEB2-related conditions.